The following is an entry in ClinVar:

ClinVar aggregate classification (germline): Benign (1 of 4 stars; one submission).

gnomAD v4.1: 1,656 of 1,613,944 alleles (0.1%); highest among the groups gnomAD compares: South Asian, 1.6%; 23 homozygotes.

Submission:

CeGaT Center for Human Genetics Tuebingen
Classification: Benign. Last evaluated: 2025-10-01. Review status: criteria provided, single submitter. Criteria: CeGaT Center For Human Genetics Tuebingen Variant Classification Criteria Version 2. Collection method: clinical testing. Allele origin: germline. Affected: yes. Observed: 1 variant allele.
Comment: NFIB: BS1, BS2

NM_001190737.2(NFIB):c.196C>T (p.Pro66Ser)

Gene: NFIB (nuclear factor I B; minus strand). Cytogenetic location: 9p22.3.
Variant type: single nucleotide variant.
Coding change: c.196C>T on transcript NM_001190737.2 (MANE Select); coding-DNA position 196, C replaced by T.
Protein change: p.Pro66Ser; replaces proline 66 with serine.
Molecular consequence: missense variant.
Genome position (GRCh38, 1-based): chr9:14,307,355, G>A on the plus strand (C>T on the coding strand, the complement: NFIB is on the minus strand). VCF-style: chr9-14307355-G-A. GRCh37 (hg19) VCF-style: chr9-14307354-G-A.
Other names: c.274C>T, p.Pro92Ser (NM_001190738.2); c.262C>T, p.Pro88Ser (NM_001369458.1, NM_001369459.1, NM_001369462.1 and 1 more transcripts); c.184C>T, p.Pro62Ser (NM_001369460.1, NM_001369463.1, NM_001369466.1 and 4 more transcripts); c.196C>T, p.Pro66Ser (NM_001369461.1, NM_001369464.1, NM_001369471.1 and 5 more transcripts); c.169C>T, p.Pro57Ser (NM_001369465.1, NM_001369467.1, NM_001369476.1); c.52C>T, p.Pro18Ser (NM_001369469.1); c.181C>T, p.Pro61Ser (NM_001369474.1); short protein forms P18S, P57S, P61S, P62S, P66S, P88S, P92S.
Identifiers: ClinVar variation 4533584 (VCV004533584.6).